The following is an entry in ClinVar:

ClinVar aggregate classification (germline): Conflicting classifications of pathogenicity. Review status: criteria provided, conflicting classifications (1 of 4 stars). 2 submissions from 2 submitters: Uncertain significance (1); Likely benign (1). Last evaluated 2022-09-01.

Allele frequency attached by ClinVar (database versions not stated): gnomAD exomes 0.00016; ExAC 0.00021; gnomAD 0.00024; TOPMed 0.00037; ESP Exome Variant Server 0.00038.
gnomAD v4.1: 224 of 1,209,211 alleles (0.019%); highest among the groups gnomAD compares: Middle Eastern, 0.28%; 2 homozygotes.

Submissions (2):

CeGaT Center for Human Genetics Tuebingen
Classification: Likely benign. Last evaluated: 2022-09-01. Review status: criteria provided, single submitter. Criteria: CeGaT Center For Human Genetics Tuebingen Variant Classification Criteria Version 2. Collection method: clinical testing. Allele origin: germline. Affected: yes. Observed: 1 variant allele.
Comment: MXRA5: BP4, BS2

Ambry Genetics
Classification: Uncertain significance. Last evaluated: 2022-06-29. Review status: criteria provided, single submitter. Criteria: Ambry Variant Classification Scheme 2023. Collection method: clinical testing. Allele origin: germline.

NM_015419.4(MXRA5):c.5447T>G (p.Ile1816Ser)

Gene: MXRA5 (matrix remodeling associated 5; minus strand). Cytogenetic location: Xp22.33.
Variant type: single nucleotide variant.
Coding change: c.5447T>G on transcript NM_015419.4 (MANE Select); coding-DNA position 5447, T replaced by G.
Protein change: p.Ile1816Ser; replaces isoleucine 1816 with serine.
Molecular consequence: missense variant.
Genome position (GRCh38, 1-based): chrX:3,320,238, A>C on the plus strand (T>G on the coding strand, the complement: MXRA5 is on the minus strand). VCF-style: chrX-3320238-A-C. GRCh37 (hg19) VCF-style: chrX-3238279-A-C.
Other names: short protein forms I1816S.
Identifiers: ClinVar variation 2385015 (VCV002385015.26), dbSNP rs199503617, ClinGen allele CA10339774.